The following is an entry in ClinVar:

NM_001360.3(DHCR7):c.1085G>A (p.Arg362His)

Gene: DHCR7 (7-dehydrocholesterol reductase; minus strand). Cytogenetic location: 11q13.4.
Variant type: single nucleotide variant.
Coding change: c.1085G>A on transcript NM_001360.3 (MANE Select); coding-DNA position 1085, G replaced by A.
Protein change: p.Arg362His; replaces arginine 362 with histidine.
Molecular consequence: missense variant.
Genome position (GRCh38, 1-based): chr11:71,435,718, C>T on the plus strand (G>A on the coding strand, the complement: DHCR7 is on the minus strand). VCF-style: chr11-71435718-C-T. GRCh37 (hg19) VCF-style: chr11-71146764-C-T.
Other names: c.1085G>A, p.Arg362His (NM_001163817.2); c.1085G>A (NM_001360.2); short protein forms R362H.
Identifiers: ClinVar variation 1430961 (VCV001430961.16), dbSNP rs142213147, ClinGen allele CA6162317.
Genomic context (GRCh38, chr11:71,435,718, plus strand): 5'-TAGGAGCACTCGATGACCTTGGGCTTCCTGCCCCAGATGAGGCAGCGCCCATCCGTGCGG[C>T]GGAACAGGTCCTTCTGGTGGTTGGCCACCCGGAAGATGTAGTAGCCCACCAGGCCCAGCA-3'
Protein context (NP_001351.2, residues 352-372): RVANHQKDLF[Arg362His]RTDGRCLIWG

ClinVar aggregate classification (germline): Conflicting classifications of pathogenicity. Review status: criteria provided, conflicting classifications (1 of 4 stars). 7 submissions from 7 submitters: Likely pathogenic (2); Uncertain significance (5). Last evaluated 2025-11-25.

Conditions:
Smith-Lemli-Opitz syndrome (SLOS). Also called: 7-Dehydrocholesterol reductase deficiency; LETHAL ACRODYSGENITAL SYNDROME; POLYDACTYLY, SEX REVERSAL, RENAL HYPOPLASIA, AND UNILOBAR LUNG; RSH SYNDROME; RUTLEDGE LETHAL MULTIPLE CONGENITAL ANOMALY SYNDROME. Identifiers: Orphanet 818, MedGen C0175694, MONDO:0010035, OMIM 270400.
DHCR7-related disorder. Also called: DHCR7-related condition.

Allele frequency attached by ClinVar (database versions not stated): gnomAD 0.00001 and 0.00003; TOPMed 0.00004; ESP Exome Variant Server 0.00015.

Submissions (7):

Women's Health and Genetics/Laboratory Corporation of America, LabCorp
Classification: Uncertain significance. Last evaluated: 2025-11-25. Review status: criteria provided, single submitter. Criteria: LabCorp Variant Classification Summary - May 2015. Collection method: clinical testing. Allele origin: germline.
Comment: Variant summary: DHCR7 c.1085G>A (p.Arg362His) results in a non-conservative amino acid change in the encoded protein sequence. Algorithms developed to predict the effect of missense changes on protein structure and function all suggest that this variant is likely to be disruptive. The variant allele was found at a frequency of 3.6e-05 in 248844 control chromosomes. The available data on variant occurrences in the general population are insufficient to allow any conclusion about variant significance. c.1085G>A has been observed in an study screening for carrier variants for Smith-Lemli-Opitz Syndrome (Park_2021). These report(s) do not provide unequivocal conclusions about association of the variant with Smith-Lemli-Opitz Syndrome. To our knowledge, no experimental evidence demonstrating an impact on protein function has been reported. The following publication have been ascertained in the context of this evaluation (PMID: 33836803). ClinVar contains an entry for this variant (Variation ID: 1430961). Based on the evidence outlined above, the variant was classified as uncertain significance.

PreventionGenetics, part of Exact Sciences
Classification: Uncertain significance for DHCR7-related condition. Last evaluated: 2025-10-14. Review status: criteria provided, single submitter. Criteria: ACMG Guidelines, 2015. Collection method: clinical testing. Allele origin: germline.
Comment: The DHCR7 c.1085G>A variant is predicted to result in the amino acid substitution p.Arg362His. To our knowledge, this variant has not been reported in the literature. Alternative variant at the same codon (p.Arg362Cys) has been reported in an individual with Smith-Lemli-Opitz Syndrome (Table 2, Witsch-Baumgartner et al. 2000. PubMed ID: 10677299) and in an individual with congenital renal disease (Table S7, Groopman et al. 2018. PubMed ID: 30586318). This variant (p.Arg362His) is reported in 0.0098% of alleles in individuals of South Asian descent in gnomAD. At this time, the clinical significance of this variant is uncertain due to the absence of conclusive functional and genetic evidence.

Labcorp Genetics (formerly Invitae), Labcorp
Classification: Likely pathogenic for Smith-Lemli-Opitz syndrome. Last evaluated: 2025-08-02. Review status: criteria provided, single submitter. Criteria: Invitae Variant Classification Sherloc (09022015). Collection method: clinical testing. Allele origin: germline.
Comment: This sequence change replaces arginine, which is basic and polar, with histidine, which is basic and polar, at codon 362 of the DHCR7 protein (p.Arg362His). This variant is present in population databases (rs142213147, gnomAD 0.01%). This variant has not been reported in the literature in individuals affected with DHCR7-related conditions. ClinVar contains an entry for this variant (Variation ID: 1430961). Invitae Evidence Modeling of protein sequence and biophysical properties (such as structural, functional, and spatial information, amino acid conservation, physicochemical variation, residue mobility, and thermodynamic stability) indicates that this missense variant is expected to disrupt DHCR7 protein function with a positive predictive value of 95%. This variant disrupts the p.Arg362 amino acid residue in DHCR7. Other variant(s) that disrupt this residue have been determined to be pathogenic (internal data). This suggests that this residue is clinically significant, and that variants that disrupt this residue are likely to be disease-causing. In summary, the currently available evidence indicates that the variant is pathogenic, but additional data are needed to prove that conclusively. Therefore, this variant has been classified as Likely Pathogenic.

Institute of Human Genetics, University of Leipzig Medical Center
Classification: Uncertain significance for Smith-Lemli-Opitz syndrome. Last evaluated: 2024-06-26. Review status: criteria provided, single submitter. Criteria: ACMG Guidelines, 2015. Collection method: clinical testing. Allele origin: unknown. Inheritance: Autosomal recessive inheritance. Affected: yes.
Comment: Criteria applied: PM5,PM3_MOD,PP3

Fulgent Genetics
Classification: Uncertain significance for Smith-Lemli-Opitz syndrome. Last evaluated: 2024-06-10. Review status: criteria provided, single submitter. Criteria: ACMG Guidelines, 2015. Collection method: clinical testing. Allele origin: germline.

Genomic Medicine Center of Excellence, King Faisal Specialist Hospital and Research Centre
Classification: Likely pathogenic for Smith-Lemli-Opitz syndrome. Last evaluated: 2024-03-26. Review status: criteria provided, single submitter. Criteria: ACMG Guidelines, 2015. Collection method: clinical testing. Allele origin: germline.

Juno Genomics, Hangzhou Juno Genomics, Inc
Classification: Uncertain significance for Smith-Lemli-Opitz syndrome. Review status: criteria provided, single submitter. Criteria: ACMG Guidelines, 2015. Collection method: clinical testing. Allele origin: germline.
Comment: Absent from controls (or at extremely low frequency if recessive) in Genome Aggregation Database.;Multiple lines of computational evidence support a deleterious effect on the gene or gene product.

Literature cited by the submitters: PubMed 33836803 (cited by Women's Health and Genetics/Laboratory Corporation of America, LabCorp).